The following is an entry in ClinVar:

NM_006517.5(SLC16A2):c.938T>C (p.Met313Thr)

Gene: SLC16A2 (solute carrier family 16 member 2; plus strand). Cytogenetic location: Xq13.2.
Variant type: single nucleotide variant.
Coding change: c.938T>C on transcript NM_006517.5 (MANE Select); coding-DNA position 938, T replaced by C.
Protein change: p.Met313Thr; replaces methionine 313 with threonine.
Molecular consequence: missense variant.
Genome position (GRCh38, 1-based): chrX:74,524,721, T>C. VCF-style: chrX-74524721-T-C. GRCh37 (hg19) VCF-style: chrX-73744556-T-C.
Other names: short protein forms M313T.
Identifiers: ClinVar variation 947363 (VCV000947363.9), dbSNP rs1930462863, ClinGen allele CA413657615.

ClinVar aggregate classification (germline): Uncertain significance (1 of 4 stars; one submission).

Conditions:
Spastic paraplegia. Identifiers: MedGen C0037772, HP:0001258.

Allele frequency attached by ClinVar (database versions not stated): gnomAD 0.00001; TOPMed 0.00001.

Submission:

Labcorp Genetics (formerly Invitae), Labcorp
Classification: Uncertain significance for Spastic paraplegia. Last evaluated: 2020-03-05. Review status: criteria provided, single submitter. Criteria: Invitae Variant Classification Sherloc (09022015). Collection method: clinical testing. Allele origin: germline.
Comment: In summary, the available evidence is currently insufficient to determine the role of this variant in disease. Therefore, it has been classified as a Variant of Uncertain Significance. Algorithms developed to predict the effect of missense changes on protein structure and function are either unavailable or do not agree on the potential impact of this missense change (SIFT: "Tolerated"; PolyPhen-2: "Benign"; Align-GVGD: "Class C0"). This variant has not been reported in the literature in individuals with SLC16A2-related conditions. This variant is not present in population databases (ExAC no frequency). This sequence change replaces methionine with threonine at codon 313 of the SLC16A2 protein (p.Met313Thr). The methionine residue is weakly conserved and there is a moderate physicochemical difference between methionine and threonine.